The following is an entry in ClinVar:

ClinVar aggregate classification (germline): Pathogenic. Review status: criteria provided, multiple submitters, no conflicts (2 of 4 stars). 20 submissions from 20 submitters: Pathogenic (18). 2 of the submissions do not count toward it. Last evaluated 2026-03-01.

Conditions:
SELENON-related disorder. Also called: SELENON-related condition.
Eichsfeld type congenital muscular dystrophy (CMYO3). Also called: Rigid spine muscular dystrophy 1; MYOPATHY, SEPN1-RELATED; SELENON-related myopathy; Congenital myopathy 3 with rigid spine. Identifiers: MedGen C0410180, MONDO:0100100, OMIM 602771.
Congenital myopathy with fiber type disproportion. Also called: Congenital fiber-type disproportion; Congenital fiber-type disproportion myopathy. Identifiers: Orphanet 2020, MedGen C0546264, MONDO:0009711. Inheritance: all.

Submissions 1 to 14 of 20:

CeGaT Center for Human Genetics Tuebingen
Classification: Pathogenic. Last evaluated: 2026-03-01. Review status: criteria provided, single submitter. Criteria: CeGaT Center For Human Genetics Tuebingen Variant Classification Criteria Version 2. Collection method: clinical testing. Allele origin: germline. Affected: yes. Observed: 3 variant alleles.
Comment: SELENON: PM3:Strong, PVS1:Strong, PM2

Labcorp Genetics (formerly Invitae), Labcorp
Classification: Pathogenic for Eichsfeld type congenital muscular dystrophy. Last evaluated: 2026-01-16. Review status: criteria provided, single submitter. Criteria: Invitae Variant Classification Sherloc (09022015). Collection method: clinical testing. Allele origin: germline.
Comment: This sequence change creates a premature translational stop signal (p.Asn238Lysfs*63) in the SELENON gene. It is expected to result in an absent or disrupted protein product. Loss-of-function variants in SELENON are known to be pathogenic (PMID: 21131290, 21670436). This variant is present in population databases (rs750857935, gnomAD 0.1%). This premature translational stop signal has been observed in individuals with SELENON-related conditions (PMID: 12192640, 15792869, 17951086, 27447704). ClinVar contains an entry for this variant (Variation ID: 4494). For these reasons, this variant has been classified as Pathogenic.

Laboratorio de Genetica e Diagnostico Molecular, Hospital Israelita Albert Einstein
Classification: Pathogenic for Eichsfeld type congenital muscular dystrophy. Last evaluated: 2025-06-13. Review status: criteria provided, single submitter. Criteria: ACMG Guidelines, 2015. Collection method: clinical testing. Allele origin: germline. Affected: yes.
Comment: ACMG classification criteria: PVS1 very strong, PM3 very strong

Revvity Omics, Revvity
Classification: Pathogenic for Eichsfeld type congenital muscular dystrophy. Last evaluated: 2024-12-29. Review status: criteria provided, single submitter. Criteria: ACMG Guidelines, 2015. Collection method: clinical testing. Allele origin: germline.

Blueprint Genetics
Classification: Pathogenic for SELENON-related disorders. Last evaluated: 2024-04-08. Review status: criteria provided, single submitter. Criteria: ACMG Guidelines, 2015. Collection method: clinical testing. Allele origin: germline. Affected: yes. Observed: 5 variant alleles.

Fulgent Genetics
Classification: Pathogenic for Eichsfeld type congenital muscular dystrophy. Last evaluated: 2024-04-08. Review status: criteria provided, single submitter. Criteria: ACMG Guidelines, 2015. Collection method: clinical testing. Allele origin: germline.

Institute of Human Genetics, University of Leipzig Medical Center
Classification: Pathogenic for Eichsfeld type congenital muscular dystrophy. Last evaluated: 2024-02-26. Review status: criteria provided, single submitter. Criteria: ACMG Guidelines, 2015. Collection method: clinical testing. Allele origin: paternal. Inheritance: Autosomal recessive inheritance. Affected: yes.
Comment: Criteria applied: PVS1,PM3_STR,PM2; Identified as compund heterozygous with NM_020451.2:c.1282-13G>A

Women's Health and Genetics/Laboratory Corporation of America, LabCorp
Classification: Pathogenic for Eichsfeld type congenital muscular dystrophy. Last evaluated: 2023-04-05. Review status: criteria provided, single submitter. Criteria: LabCorp Variant Classification Summary - May 2015. Collection method: clinical testing. Allele origin: germline.
Comment: Variant summary: SELENON c.713dupA (p.Asn238LysfsX63) results in a premature termination codon, predicted to cause a truncation of the encoded protein or absence of the protein due to nonsense mediated decay, which are commonly known mechanisms for disease. The variant allele was found at a frequency of 0.00016 in 249200 control chromosomes (gnomAD). This frequency is not higher than estimated maximum expected for a pathogenic variant in SELENON causing Congenital Muscular Dystrophy (0.0011). The variant, c.713dupA, has been reported in the literature in several individuals affected with Muscular Dystrophy (Ferreiro_2002, Herasse_2007, Schara_2008, Villar-Quiles_2020), in at least one homozygous case, the absence of the protein was noted to be verified by western blot on patient derived fibroblasts (Herasse_2007). These data indicate that the variant is very likely to be associated with disease. To our knowledge, no experimental evidence demonstrating an impact on protein function has been reported. 13 clinical diagnostic laboratories have submitted clinical-significance assessments for this variant to ClinVar after 2014 without evidence for independent evaluation. All laboratories classified the variant as pathogenic. Based on the evidence outlined above, the variant was classified as pathogenic.

Broad Center for Mendelian Genomics, Broad Institute of MIT and Harvard
Classification: Pathogenic. Last evaluated: 2023-01-24. Review status: criteria provided, single submitter. Criteria: ACMG Guidelines, 2015. Collection method: curation. Allele origin: germline. Inheritance: Autosomal recessive inheritance.
Comment: The variant has been reported in at least 10 individuals with SELENON-RM (PMID: 12192640, 15792869, 19557870, 27447704, 30612914, 3093229, 33652732, 32661288, 16498447, 17951086), segregated with disease in 1 affected relative from 1 family (PMID: 33652732), and has been identified in 0.1% (14/10348) of Ashkenazi Jewish chromosomes by the Genome Aggregation Database (gnomAD; dbSNP ID: rs750857935). Although this variant has been seen in the general population in a heterozygous state, its frequency is not high enough to rule out a pathogenic role. This variant has also been reported in ClinVar (Variation ID#: 4494) and has been interpreted as pathogenic by multiple submitters. Of the more than 10 affected individuals, at least 4 of those were homozygotes and 1 was a compound heterozygote that carried a reported pathogenic variants in trans, which increases the likelihood that the p.Asn238fs variant is pathogenic (VariationID: 95958; PMID: 12192640, 16498447, 19557870, 32661288, 33652732, 15792869). In vitro functional studies provide some evidence that the p.Asn238fs variant may impact protein function (PMID: 19067361). However, these types of assays may not accurately represent biological function. This variant is predicted to cause a frameshift, which alters the protein‚Äôs amino acid sequence beginning at position 238 and leads to a premature termination codon 63 amino acids downstream. This alteration is then predicted to lead to a truncated or absent protein. Loss of function of the SELENON gene is an established disease mechanism in autosomal recessive SELENON-RM. In summary, this variant meets criteria to be classified as pathogenic for autosomal recessive SELENON-RM. ACMG/AMP Criteria applied: PVS1, PS3_moderate, PM3_strong (Richards 2015).

Department of Pathology and Laboratory Medicine, Sinai Health System
Classification: Pathogenic for Eichsfeld type congenital muscular dystrophy. Last evaluated: 2022-09-15. Review status: criteria provided, single submitter. Criteria: ACMG Guidelines, 2015. Collection method: research. Allele origin: germline.

GeneDx
Classification: Pathogenic. Last evaluated: 2022-04-19. Review status: criteria provided, single submitter. Criteria: GeneDx Variant Classification Process June 2021. Collection method: clinical testing. Allele origin: germline. Affected: yes.
Comment: Frameshift variant predicted to result in protein truncation or nonsense mediated decay in a gene for which loss-of-function is a known mechanism of disease; This variant is associated with the following publications: (PMID: 12192640, 19067361, 15792869, 17951086, 16498447, 27447704, 30612914, 30932294, 31321302, 31127727, 33652732)

MGZ Medical Genetics Center
Classification: Pathogenic for Eichsfeld type congenital muscular dystrophy. Last evaluated: 2022-02-16. Review status: criteria provided, single submitter. Criteria: ACMG Guidelines, 2015. Collection method: clinical testing. Allele origin: germline. Affected: yes. Observed: 1 variant allele.
Comment: ACMG criteria applied: PVS1, PS4_MOD, PM3, PM2_SUP

Dasa
Classification: Pathogenic for Eichsfeld type congenital muscular dystrophy. Last evaluated: 2022-01-05. Review status: criteria provided, single submitter. Criteria: ACMG Guidelines, 2015. Collection method: clinical testing. Allele origin: germline. Affected: yes. Observed: 1 variant allele.
Comment: The c.713dup;p.(Asn238Lysfs*63) is a null frameshift variant (NMD) in the SELENON gene and predicts alteration of the nonsense-mediate decay - NMD is present in a relevantexon to the transcript -PVS1. This sequence change has been observed in affected individual(s) and ClinVar contains an entry for this variant (ClinVar ID: 4494; OMIM: 606210.0006; PMID: 12192640; 27447704; 15792869; 17951086) - PS4. The variant is present at low allele frequencies population databases (rs368104077– gnomAD 0.01182%; ABraOM no frequency) - PM2_supporting. In summary, the currently available evidence indicates that the variant is pathogenic.

AiLife Diagnostics
Classification: Pathogenic. Last evaluated: 2021-05-26. Review status: criteria provided, single submitter. Criteria: ACMG Guidelines, 2015. Collection method: clinical testing. Allele origin: germline. Affected: yes. Observed: 1 variant allele.

NM_206926.2(SELENON):c.611dup (p.Asn204fs)

Gene: SELENON (selenoprotein N; plus strand). Cytogenetic location: 1p36.11.
Variant type: Duplication.
Coding change: c.611dup on transcript NM_206926.2 (MANE Select); coding-DNA position 611, one base duplicated (A; older notation c.611dupA).
Protein change: p.Asn204fs; shifts the reading frame from asparagine 204.
Molecular consequence: frameshift variant.
Genome position (GRCh38, 1-based): chr1:25,808,755, A duplicated; the last of 2 consecutive A bases (chr1:25,808,754-25,808,755); duplicating either gives the same sequence. VCF-style (leftmost placement, unchanged base first): chr1-25808753-C-CA. GRCh37 (hg19) VCF-style: chr1-26135244-C-CA.
Other names: NM_020451.3(SELENON):c.713dup; p.Asn238fs; c.713dup, p.Asn238fs (NM_020451.3); c.713dupA (NM_020451.3); short protein forms N238fs, N204fs.
Identifiers: ClinVar variation 4494 (VCV000004494.79), dbSNP rs368104077, ClinGen allele CA253172.